The following is an entry in ClinVar:

NM_003467.3(CXCR4):c.970del (p.Ser324fs)

Gene: CXCR4 (C-X-C motif chemokine receptor 4; minus strand). Cytogenetic location: 2q22.1.
Variant type: Deletion.
Coding change: c.970del on transcript NM_003467.3 (MANE Select); coding-DNA position 970, one base deleted (T; older notation c.970delT).
Protein change: p.Ser324fs; shifts the reading frame from serine 324.
Molecular consequence: frameshift variant.
Genome position (GRCh38, 1-based): chr2:136,114,958, A deleted on the plus strand (T on the coding strand, the reverse complement: CXCR4 is on the minus strand). VCF-style (leftmost placement, unchanged base first): chr2-136114957-GA-G. GRCh37 (hg19) VCF-style: chr2-136872527-GA-G.
Other names: c.982del, p.Ser328fs (NM_001008540.2); c.1183del, p.Ser395fs (NM_001348056.2); c.1069del, p.Ser357fs (NM_001348059.2); c.925del, p.Ser309fs (NM_001348060.2); short protein forms S309fs, S324fs, S328fs, S357fs, S395fs.
Identifiers: ClinVar variation 3902804 (VCV003902804.2).
Genomic context (GRCh38, chr2:136,114,957, plus strand): 5'-GACTCAGTGGAAACAGATGAATGTCCACCTCGCTTTCCTTTGGAGAGGATCTTGAGGCTG[GA>G]CCCTCTGCTCACAGAGGTGAGTGCGTGCTGGGCAGAGGTTTTAAATTTGGCTCCAAGGAA-3'

ClinVar aggregate classification (germline): Pathogenic (1 of 4 stars; one submission).

Conditions:
WHIM syndrome 1 (WHIMS). Identifiers: Orphanet 51636, MedGen C5542296, MONDO:8000006, OMIM 193670.

Submission:

Research Department, X4 Pharmaceuticals (Austria) GmbH
Classification: Pathogenic for WHIM syndrome 1. Last evaluated: 2025-06-03. Review status: criteria provided, single submitter. Criteria: ACMG Guidelines, 2015. Collection method: curation, in vitro. Allele origin: germline, not applicable. Inheritance: Autosomal dominant inheritance. Affected: yes. Observed: 1 variant allele, 1 heterozygote. Functional consequence: gain_of_function_variant.
Comment: The p.Ser324Profs*42 frameshift variant has been observed in an individual with clinical features of WHIM syndrome (PMID: 32870250, 35947323, 21835955). Experimental studies have shown that this frameshift affects CXCR4 function (PMID: 35947323). This variant is located in a region of the CXCR4 protein where a significant number of CXCR4 nonsense and frameshift mutations have been reported in association with autosomal dominant WHIM syndrome (PMID: 31313072, 32784523, 35947323, 39040098). This variant is not present in population databases (gnomAD no frequency).

Literature cited by the submitters: PubMed 35947323; PubMed 32870250; PubMed 21835955.